The following is an entry in ClinVar:

ClinVar aggregate classification (germline): Pathogenic (1 of 4 stars; one submission).

Conditions:
Developmental and epileptic encephalopathy, 34 (DEE34). Also called: SLC12A5-Related Epilepsy of Infancy with Migrating Focal Seizures; Early infantile epileptic encephalopathy 34. Identifiers: Orphanet 293181, MedGen C4225257, MONDO:0014718, OMIM 616645.

Submission:

Labcorp Genetics (formerly Invitae), Labcorp
Classification: Pathogenic for Developmental and epileptic encephalopathy, 34. Last evaluated: 2022-02-25. Review status: criteria provided, single submitter. Criteria: Invitae Variant Classification Sherloc (09022015). Collection method: clinical testing. Allele origin: germline.
Comment: For these reasons, this variant has been classified as Pathogenic. This variant has not been reported in the literature in individuals affected with SLC12A5-related conditions. This variant is not present in population databases (gnomAD no frequency). This sequence change creates a premature translational stop signal (p.Cys322*) in the SLC12A5 gene. It is expected to result in an absent or disrupted protein product. Loss-of-function variants in SLC12A5 are known to be pathogenic (PMID: 26333769, 27436767).

Literature cited by the submitters: PubMed 26333769; PubMed 27436767.

NM_020708.5(SLC12A5):c.966C>A (p.Cys322Ter)

Gene: SLC12A5 (solute carrier family 12 member 5; plus strand). Cytogenetic location: 20q13.12.
Variant type: single nucleotide variant.
Coding change: c.966C>A on transcript NM_020708.5 (MANE Select); coding-DNA position 966, C replaced by A.
Protein change: p.Cys322Ter; replaces cysteine 322 with a stop codon.
Molecular consequence: nonsense.
Genome position (GRCh38, 1-based): chr20:46,041,440, C>A. VCF-style: chr20-46041440-C-A. GRCh37 (hg19) VCF-style: chr20-44670079-C-A.
Other names: c.1035C>A, p.Cys345Ter (NM_001134771.2); short protein forms C322*, C345*.
Identifiers: ClinVar variation 2099159 (VCV002099159.4), dbSNP rs2515639218, ClinGen allele CA409190401.